The following is an entry in ClinVar:

ClinVar aggregate classification (germline): Uncertain significance. Review status: criteria provided, multiple submitters, no conflicts (2 of 4 stars). 2 submissions from 2 submitters: Uncertain significance (2). Last evaluated 2023-10-05.

Conditions:
MEGF8-related Carpenter syndrome. Also called: Carpenter syndrome 2. Identifiers: Orphanet 65759, MedGen C3554247, MONDO:0013998, OMIM 614976.
Inborn genetic diseases. Identifiers: MedGen C0950123, MeSH D030342.

Allele frequency attached by ClinVar (database versions not stated): gnomAD exomes below 0.00001; gnomAD 0.00001; TOPMed 0.00001.
gnomAD v4.1: 5 of 1,602,292 alleles (0.00031%); highest among the groups gnomAD compares: Non-Finnish European, 0.00043%; no homozygotes.

Submissions (2):

Ambry Genetics
Classification: Uncertain significance for Inborn genetic diseases. Last evaluated: 2023-10-05. Review status: criteria provided, single submitter. Criteria: Ambry Variant Classification Scheme 2023. Collection method: clinical testing. Allele origin: germline.

Labcorp Genetics (formerly Invitae), Labcorp
Classification: Uncertain significance for MEGF8-related Carpenter syndrome. Last evaluated: 2021-08-31. Review status: criteria provided, single submitter. Criteria: Invitae Variant Classification Sherloc (09022015). Collection method: clinical testing. Allele origin: germline.
Comment: This sequence change replaces threonine with alanine at codon 1955 of the MEGF8 protein (p.Thr1955Ala). The threonine residue is moderately conserved and there is a small physicochemical difference between threonine and alanine. This variant is not present in population databases (ExAC no frequency). This variant has not been reported in the literature in individuals affected with MEGF8-related conditions. Algorithms developed to predict the effect of missense changes on protein structure and function are either unavailable or do not agree on the potential impact of this missense change (SIFT: "Deleterious"; PolyPhen-2: "Benign"; Align-GVGD: "Class C0"). In summary, the available evidence is currently insufficient to determine the role of this variant in disease. Therefore, it has been classified as a Variant of Uncertain Significance.

NM_001271938.2(MEGF8):c.6064A>G (p.Thr2022Ala)

Gene: MEGF8 (multiple EGF like domains 8; plus strand). Cytogenetic location: 19q13.2.
Variant type: single nucleotide variant.
Coding change: c.6064A>G on transcript NM_001271938.2 (MANE Select); coding-DNA position 6064, A replaced by G.
Protein change: p.Thr2022Ala; replaces threonine 2022 with alanine.
Molecular consequence: missense variant.
Genome position (GRCh38, 1-based): chr19:42,363,053, A>G. VCF-style: chr19-42363053-A-G. GRCh37 (hg19) VCF-style: chr19-42867205-A-G.
Other names: c.5863A>G, p.Thr1955Ala (NM_001410.3); short protein forms T1955A, T2022A.
Identifiers: ClinVar variation 473337 (VCV000473337.6), dbSNP rs779853780, ClinGen allele CA406130044.